The following is an entry in ClinVar:

NM_014956.5(CEP164):c.1608T>C (p.Cys536=)

Gene: CEP164 (centrosomal protein 164; plus strand). Cytogenetic location: 11q23.3.
Variant type: single nucleotide variant.
Coding change: c.1608T>C on transcript NM_014956.5 (MANE Select); coding-DNA position 1608, T replaced by C.
Protein change: p.Cys536=; no amino-acid change (cysteine 536 retained).
Molecular consequence: synonymous variant.
Genome position (GRCh38, 1-based): chr11:117,382,826, T>C. VCF-style: chr11-117382826-T-C. GRCh37 (hg19) VCF-style: chr11-117253542-T-C.
Other names: c.1617T>C, p.Cys539= (NM_001271933.2); c.1608T>C (NM_014956.4).
Identifiers: ClinVar variation 1087124 (VCV001087124.11), dbSNP rs750310170, ClinGen allele CA229353500.

ClinVar aggregate classification (germline): Likely benign. Review status: criteria provided, multiple submitters, no conflicts (2 of 4 stars). 3 submissions from 3 submitters: Likely benign (3). Last evaluated 2025-11-19.

Conditions:
CEP164-related disorder. Also called: CEP164-related condition.
Nephronophthisis 15 (NPHP15). Identifiers: Orphanet 3156, MedGen C3541853, MONDO:0013917, OMIM 614845.

Allele frequency attached by ClinVar (database versions not stated): gnomAD exomes below 0.00001; TOPMed below 0.00001.
gnomAD v4.1: 5 of 1,614,032 alleles (0.00031%); highest among the groups gnomAD compares: East Asian, 0.0045%; no homozygotes.

Submissions (3):

Labcorp Genetics (formerly Invitae), Labcorp
Classification: Likely benign for Nephronophthisis 15. Last evaluated: 2025-11-19. Review status: criteria provided, single submitter. Criteria: Invitae Variant Classification Sherloc (09022015). Collection method: clinical testing. Allele origin: germline.

PreventionGenetics, part of Exact Sciences
Classification: Likely benign for CEP164-related condition. Last evaluated: 2025-03-19. Review status: criteria provided, single submitter. Criteria: ACMG Guidelines, 2015. Collection method: clinical testing. Allele origin: germline.
Comment: This variant is classified as likely benign based on ACMG/AMP sequence variant interpretation guidelines (Richards et al. 2015 PMID: 25741868, with internal and published modifications).

Fulgent Genetics
Classification: Likely benign for Nephronophthisis 15. Last evaluated: 2021-07-26. Review status: criteria provided, single submitter. Criteria: ACMG Guidelines, 2015. Collection method: clinical testing. Allele origin: unknown.